The following is an entry in ClinVar:

ClinVar aggregate classification (germline): Uncertain significance. Review status: criteria provided, multiple submitters, no conflicts (2 of 4 stars). 2 submissions from 2 submitters: Uncertain significance (2). Last evaluated 2021-08-28.

Conditions:
Progressive myoclonic epilepsy. Also called: Myoclonic Epilepsies, Progressive; Familial progressive myoclonic epilepsy; Myoclonus epilepsy; Progressive myoclonus epilepsy. Identifiers: Orphanet 308, Orphanet 98261, MedGen C0751778, MONDO:0020074.

Allele frequency attached by ClinVar (database versions not stated): TOPMed below 0.00001; gnomAD 0.00001 and 0.00003; gnomAD exomes 0.00001.

Submissions (2):

Labcorp Genetics (formerly Invitae), Labcorp
Classification: Uncertain significance for Progressive myoclonic epilepsy. Last evaluated: 2021-08-28. Review status: criteria provided, single submitter. Criteria: Invitae Variant Classification Sherloc (09022015). Collection method: clinical testing. Allele origin: germline.
Comment: This sequence change replaces glycine with arginine at codon 185 of the EPM2A protein (p.Gly185Arg). The glycine residue is highly conserved and there is a moderate physicochemical difference between glycine and arginine. This variant is not present in population databases (ExAC no frequency). This variant has not been reported in the literature in individuals affected with EPM2A-related conditions. ClinVar contains an entry for this variant (Variation ID: 205427). Algorithms developed to predict the effect of missense changes on protein structure and function (SIFT, PolyPhen-2, Align-GVGD) all suggest that this variant is likely to be disruptive. In summary, the available evidence is currently insufficient to determine the role of this variant in disease. Therefore, it has been classified as a Variant of Uncertain Significance.

GeneDx
Classification: Uncertain significance. Last evaluated: 2014-08-15. Review status: criteria provided, single submitter. Criteria: GeneDx Variant Classification (06012015). Collection method: clinical testing. Allele origin: germline. Affected: yes.
Comment: p.Gly185Arg (GGG>AGG): c.553 G>A in exon 3 of the EPM2A gene (NM_005670.3). The G185R missense change has not been published as a mutation, nor has it been reported as a benign polymorphism to our knowledge. It was not observed in approximately 6,500 individuals of European and African American ancestry in the NHLBI Exome Sequencing Project, indicating it is not a common benign variant in these populations. The G185R variant is a non-conservative amino acid substitution, which is likely to impact secondary protein structure as these residues differ in polarity, charge, size and/or other properties, and this substitution occurs at a position that is conserved across species. However, in silico analysis is inconsistent with regard to the effect this variant may have on the protein structure/function. Therefore, based on the currently available information, it is unclear whether G185R is a disease-causing mutation or a rare benign variant. The variant is found in EPILEPSY panel(s).

NM_005670.4(EPM2A):c.553G>A (p.Gly185Arg)

Gene: EPM2A (EPM2A glucan phosphatase, laforin; minus strand). Cytogenetic location: 6q24.3.
Variant type: single nucleotide variant.
Coding change: c.553G>A on transcript NM_005670.4 (MANE Select); coding-DNA position 553, G replaced by A.
Protein change: p.Gly185Arg; replaces glycine 185 with arginine.
Molecular consequence: missense variant. On other transcripts: intron variant (1).
Genome position (GRCh38, 1-based): chr6:145,635,410, C>T on the plus strand (G>A on the coding strand, the complement: EPM2A is on the minus strand). VCF-style: chr6-145635410-C-T. GRCh37 (hg19) VCF-style: chr6-145956546-C-T.
Other names: p.G185R:GGG>AGG; c.553G>A, p.Gly185Arg (NM_001018041.2, NM_001368130.1); c.139G>A, p.Gly47Arg (NM_001360064.2, NM_001360071.2, NM_001368131.1); c.91G>A, p.Gly31Arg (NM_001368129.2, NM_001368132.1); c.477-7717G>A (NM_001360057.2); short protein forms G185R, G47R, G31R.
Identifiers: ClinVar variation 205427 (VCV000205427.5), dbSNP rs796052423, ClinGen allele CA314486.